The following is an entry in ClinVar:

NM_001371986.1(UNC80):c.1273A>G (p.Asn425Asp)

Gene: UNC80 (unc-80 subunit of NALCN channel complex; plus strand). Cytogenetic location: 2q34.
Variant type: single nucleotide variant.
Coding change: c.1273A>G on transcript NM_001371986.1 (MANE Select); coding-DNA position 1273, A replaced by G.
Protein change: p.Asn425Asp; replaces asparagine 425 with aspartic acid.
Molecular consequence: missense variant.
Genome position (GRCh38, 1-based): chr2:209,815,329, A>G. VCF-style: chr2-209815329-A-G. GRCh37 (hg19) VCF-style: chr2-210680053-A-G.
Other names: c.1273A>G, p.Asn425Asp (NM_032504.2, NM_182587.4); short protein forms N425D.
Identifiers: ClinVar variation 1371718 (VCV001371718.6), dbSNP rs2079653900, ClinGen allele CA350134231.

ClinVar aggregate classification (germline): Uncertain significance (1 of 4 stars; one submission).

Allele frequency attached by ClinVar (database versions not stated): gnomAD exomes 0.00001.
gnomAD v4.1: 12 of 1,551,736 alleles (0.00077%); highest among the groups gnomAD compares: Non-Finnish European, 0.001%; no homozygotes.

Submission:

Labcorp Genetics (formerly Invitae), Labcorp
Classification: Uncertain significance. Last evaluated: 2022-03-19. Review status: criteria provided, single submitter. Criteria: Invitae Variant Classification Sherloc (09022015). Collection method: clinical testing. Allele origin: germline.
Comment: In summary, the available evidence is currently insufficient to determine the role of this variant in disease. Therefore, it has been classified as a Variant of Uncertain Significance. Algorithms developed to predict the effect of missense changes on protein structure and function are either unavailable or do not agree on the potential impact of this missense change (SIFT: "Not Available"; PolyPhen-2: "Possibly Damaging"; Align-GVGD: "Not Available"). This variant has not been reported in the literature in individuals affected with UNC80-related conditions. This variant is not present in population databases (gnomAD no frequency). This sequence change replaces asparagine with aspartic acid at codon 425 of the UNC80 protein (p.Asn425Asp). The asparagine residue is weakly conserved and there is a small physicochemical difference between asparagine and aspartic acid.